The following is an entry in ClinVar:

NM_052963.3(TOP1MT):c.1329C>T (p.Arg443=)

Gene: TOP1MT (DNA topoisomerase I mitochondrial; minus strand). Cytogenetic location: 8q24.3.
Variant type: single nucleotide variant.
Coding change: c.1329C>T on transcript NM_052963.3 (MANE Select); coding-DNA position 1329, C replaced by T.
Protein change: p.Arg443=; no amino-acid change (arginine 443 retained).
Molecular consequence: synonymous variant.
Genome position (GRCh38, 1-based): chr8:143,317,724, G>A on the plus strand (C>T on the coding strand, the complement: TOP1MT is on the minus strand). VCF-style: chr8-143317724-G-A. GRCh37 (hg19) VCF-style: chr8-144399894-G-A.
Other names: c.1035C>T, p.Arg345= (NM_001258446.1, NM_001258447.1).
Identifiers: ClinVar variation 2148229 (VCV002148229.4), dbSNP rs138330144, ClinGen allele CA4908376.

ClinVar aggregate classification (germline): Uncertain significance (1 of 4 stars; one submission).

Allele frequency attached by ClinVar (database versions not stated): TOPMed 0.00019; gnomAD 0.00025; ExAC 0.00032; ESP Exome Variant Server 0.00054.
gnomAD v4.1: 451 of 1,612,958 alleles (0.028%); highest among the groups gnomAD compares: South Asian, 0.063%; 2 homozygotes.

Submission:

Labcorp Genetics (formerly Invitae), Labcorp
Classification: Uncertain significance. Last evaluated: 2025-10-08. Review status: criteria provided, single submitter. Criteria: Invitae Variant Classification Sherloc (09022015). Collection method: clinical testing. Allele origin: germline.
Comment: This sequence change affects codon 443 of the TOP1MT mRNA. It is a 'silent' change, meaning that it does not change the encoded amino acid sequence of the TOP1MT protein. It affects a nucleotide within the consensus splice site. This variant is present in population databases (rs138330144, gnomAD 0.1%), and has an allele count higher than expected for a pathogenic variant. This variant has not been reported in the literature in individuals affected with TOP1MT-related conditions. ClinVar contains an entry for this variant (Variation ID: 2148229). Algorithms developed to predict the effect of sequence changes on RNA splicing suggest that this variant is not likely to affect RNA splicing. In summary, the available evidence is currently insufficient to determine the role of this variant in disease. Therefore, it has been classified as a Variant of Uncertain Significance.